The following is an entry in ClinVar:

NM_000264.5(PTCH1):c.742C>G (p.Leu248Val)

Gene: PTCH1 (patched 1; minus strand). Cytogenetic location: 9q22.32.
Variant type: single nucleotide variant.
Coding change: c.742C>G on transcript NM_000264.5 (MANE Select); coding-DNA position 742, C replaced by G.
Protein change: p.Leu248Val; replaces leucine 248 with valine.
Molecular consequence: missense variant. On other transcripts: non-coding transcript variant (1).
Genome position (GRCh38, 1-based): chr9:95,481,953, G>C on the plus strand (C>G on the coding strand, the complement: PTCH1 is on the minus strand). VCF-style: chr9-95481953-G-C. GRCh37 (hg19) VCF-style: chr9-98244235-G-C.
Other names: c.544C>G, p.Leu182Val (NM_001083602.3, NM_001354919.2); c.739C>G, p.Leu247Val (NM_001083603.3); c.289C>G, p.Leu97Val (NM_001083604.3, NM_001083605.3, NM_001083606.3 and 1 more transcripts); c.742C>G, p.Leu248Val (NM_001354918.2); short protein forms L247V, L182V, L97V, L248V.
Identifiers: ClinVar variation 2166056 (VCV002166056.5), dbSNP rs1841568646, ClinGen allele CA374114799.
Genomic context (GRCh38, chr9:95,481,953, plus strand): 5'-GAAACACTGAGTCCTAGAGAAGTCACAGACATCAGAAAGCATGATCACACACTTACAGGA[G>C]GTATGCTGTCCCAGACTGTAATTTCGCCCCTTCCCAGAAGCAGTCCAAAGGTGTAATAAT-3'
Protein context (NP_000255.2, residues 238-258): GAKLQSGTAY[Leu248Val]LGKPPLRWTN

ClinVar aggregate classification (germline): Uncertain significance. Review status: criteria provided, multiple submitters, no conflicts (2 of 4 stars). 2 submissions from 2 submitters: Uncertain significance (2). Last evaluated 2023-11-21.

Conditions:
Gorlin syndrome. Also called: Basal cell nevus syndrome; Nevoid Basal Cell Carcinoma Syndrome. Identifiers: Orphanet 377, MedGen C0004779, MONDO:0007187.
Hereditary cancer-predisposing syndrome. Also called: Neoplastic Syndromes, Hereditary; Hereditary neoplastic syndrome; Hereditary Cancer Syndrome; Tumor predisposition. Identifiers: Orphanet 140162, MedGen C0027672, MeSH D009386, MONDO:0015356.

Allele frequency attached by ClinVar (database versions not stated): gnomAD exomes below 0.00001.
gnomAD v4.1: 1 of 1,607,636 alleles (0.000062%); highest among the groups gnomAD compares: Non-Finnish European, 0.000085%; no homozygotes.

Submissions (2):

Ambry Genetics
Classification: Uncertain significance for Hereditary cancer-predisposing syndrome. Last evaluated: 2023-11-21. Review status: criteria provided, single submitter. Criteria: Ambry Variant Classification Scheme 2023. Collection method: clinical testing. Allele origin: germline.
Comment: The p.L248V variant (also known as c.742C>G), located in coding exon 5 of the PTCH1 gene, results from a C to G substitution at nucleotide position 742. The leucine at codon 248 is replaced by valine, an amino acid with highly similar properties. This amino acid position is conserved. In addition, the in silico prediction for this alteration is inconclusive. Since supporting evidence is limited at this time, the clinical significance of this alteration remains unclear.

Labcorp Genetics (formerly Invitae), Labcorp
Classification: Uncertain significance for Gorlin syndrome. Last evaluated: 2022-11-09. Review status: criteria provided, single submitter. Criteria: Invitae Variant Classification Sherloc (09022015). Collection method: clinical testing. Allele origin: germline.
Comment: In summary, the available evidence is currently insufficient to determine the role of this variant in disease. Therefore, it has been classified as a Variant of Uncertain Significance. Advanced modeling of protein sequence and biophysical properties (such as structural, functional, and spatial information, amino acid conservation, physicochemical variation, residue mobility, and thermodynamic stability) performed at Invitae indicates that this missense variant is not expected to disrupt PTCH1 protein function. This variant has not been reported in the literature in individuals affected with PTCH1-related conditions. This variant is not present in population databases (gnomAD no frequency). This sequence change replaces leucine, which is neutral and non-polar, with valine, which is neutral and non-polar, at codon 248 of the PTCH1 protein (p.Leu248Val).